The following is an entry in ClinVar:

NM_001101362.3(KBTBD13):c.1128G>A (p.Thr376=)

Gene: KBTBD13 (kelch repeat and BTB domain containing 13; plus strand). Cytogenetic location: 15q22.31.
Variant type: single nucleotide variant.
Coding change: c.1128G>A on transcript NM_001101362.3 (MANE Select); coding-DNA position 1128, G replaced by A.
Protein change: p.Thr376=; no amino-acid change (threonine 376 retained).
Molecular consequence: synonymous variant.
Genome position (GRCh38, 1-based): chr15:65,077,943, G>A. VCF-style: chr15-65077943-G-A. GRCh37 (hg19) VCF-style: chr15-65370281-G-A.
Other names: p.Thr376=.
Identifiers: ClinVar variation 129305 (VCV000129305.22), dbSNP rs116623596, ClinGen allele CA153231.

ClinVar aggregate classification (germline): Benign. Review status: criteria provided, multiple submitters, no conflicts (2 of 4 stars). 7 submissions from 7 submitters: Benign (6). 1 of the submissions does not count toward it. Last evaluated 2026-02-01.

Conditions:
Nemaline myopathy 6 (NEM6). Also called: Nemaline myopathy 6, autosomal dominant. Identifiers: Orphanet 171439, MedGen C1836472, MONDO:0012237, OMIM 609273.

Allele frequency attached by ClinVar (database versions not stated): ExAC 0.00448; ESP Exome Variant Server 0.01202; 1000 Genomes Project 0.01657; 1000 Genomes Project 30x 0.01765; gnomAD 0.01793; TOPMed 0.01847.
gnomAD v4.1: 4,935 of 1,611,796 alleles (0.31%); highest among the groups gnomAD compares: African/African-American, 5.8%; 148 homozygotes.

Submissions (7):

Labcorp Genetics (formerly Invitae), Labcorp
Classification: Benign for Nemaline myopathy 6. Last evaluated: 2026-02-01. Review status: criteria provided, single submitter. Criteria: Invitae Variant Classification Sherloc (09022015). Collection method: clinical testing. Allele origin: germline.

Mayo Clinic Laboratories, Mayo Clinic
Classification: Benign. Last evaluated: 2018-04-11. Review status: criteria provided, single submitter. Criteria: ACMG Guidelines, 2015. Collection method: clinical testing. Allele origin: germline. Observed: 6 variant alleles.

Illumina Laboratory Services, Illumina
Classification: Benign for Nemaline myopathy 6. Last evaluated: 2018-01-12. Review status: criteria provided, single submitter. Criteria: ICSL Variant Classification Criteria 13 December 2019. Collection method: clinical testing. Allele origin: germline.
Comment: This variant was observed in the ICSL laboratory as part of a predisposition screen in an ostensibly healthy population. It had not been previously curated by ICSL or reported in the Human Gene Mutation Database (HGMD: prior to June 1st, 2018), and was therefore a candidate for classification through an automated scoring system. Utilizing variant allele frequency, disease prevalence and penetrance estimates, and inheritance mode, an automated score was calculated to assess if this variant is too frequent to cause the disease. Based on the score and internal cut-off values, a variant classified as benign is not then subjected to further curation. The score for this variant resulted in a classification of benign for this disease.

GeneDx
Classification: Benign. Last evaluated: 2016-09-22. Review status: criteria provided, single submitter. Criteria: GeneDx Variant Classification (06012015). Collection method: clinical testing. Allele origin: germline. Affected: yes.
Comment: This variant is considered likely benign or benign based on one or more of the following criteria: it is a conservative change, it occurs at a poorly conserved position in the protein, it is predicted to be benign by multiple in silico algorithms, and/or has population frequency not consistent with disease.

Breakthrough Genomics
Classification: Benign. Review status: criteria provided, single submitter. Criteria: ACMG Guidelines, 2015. Collection method: not provided. Allele origin: germline. Inheritance: Autosomal dominant inheritance. Affected: yes.

PreventionGenetics, part of Exact Sciences
Classification: Benign. Review status: criteria provided, single submitter. Criteria: ACMG Guidelines, 2015. Collection method: clinical testing. Allele origin: germline.

Genetic Services Laboratory, University of Chicago
Classification: Likely benign for AllHighlyPenetrant. Review status: no assertion criteria provided. Collection method: clinical testing. Allele origin: germline. Inheritance: Autosomal dominant inheritance. Not counted in ClinVar's aggregate classification.
Comment: Likely benign based on allele frequency in 1000 Genomes Project or ESP global frequency and its presence in a patient with a rare or unrelated disease phenotype. NOT Sanger confirmed.